The following is an entry in ClinVar:

NM_016222.4(DDX41):c.1603T>A (p.Phe535Ile)

Gene: DDX41 (DEAD-box helicase 41; minus strand). Cytogenetic location: 5q35.3.
Variant type: single nucleotide variant.
Coding change: c.1603T>A on transcript NM_016222.4 (MANE Select); coding-DNA position 1603, T replaced by A.
Protein change: p.Phe535Ile; replaces phenylalanine 535 with isoleucine.
Molecular consequence: missense variant.
Genome position (GRCh38, 1-based): chr5:177,512,340, A>T on the plus strand (T>A on the coding strand, the complement: DDX41 is on the minus strand). VCF-style: chr5-177512340-A-T. GRCh37 (hg19) VCF-style: chr5-176939341-A-T.
Other names: c.1225T>A, p.Phe409Ile (NM_001321732.2, NM_001321830.2); short protein forms F409I, F535I.
Identifiers: ClinVar variation 4722572 (VCV004722572.1).

ClinVar aggregate classification (germline): Uncertain significance (1 of 4 stars; one submission).

gnomAD v4.1: 1 of 1,613,954 alleles (0.000062%); no homozygotes.

Submission:

Labcorp Genetics (formerly Invitae), Labcorp
Classification: Uncertain significance. Last evaluated: 2025-07-03. Review status: criteria provided, single submitter. Criteria: Invitae Variant Classification Sherloc (09022015). Collection method: clinical testing. Allele origin: germline.
Comment: This sequence change replaces phenylalanine, which is neutral and non-polar, with isoleucine, which is neutral and non-polar, at codon 535 of the DDX41 protein (p.Phe535Ile). This variant is present in population databases (no rsID available, gnomAD 0.004%). This variant has not been reported in the literature in individuals affected with DDX41-related conditions. An algorithm developed to predict the effect of missense changes on protein structure and function (PolyPhen-2) suggests that this variant is likely to be disruptive. In summary, the available evidence is currently insufficient to determine the role of this variant in disease. Therefore, it has been classified as a Variant of Uncertain Significance.